The following is an entry in ClinVar:

NM_005560.6(LAMA5):c.6917C>T (p.Ala2306Val)

Gene: LAMA5 (laminin subunit alpha 5; minus strand). Cytogenetic location: 20q13.33.
Variant type: single nucleotide variant.
Coding change: c.6917C>T on transcript NM_005560.6 (MANE Select); coding-DNA position 6917, C replaced by T.
Protein change: p.Ala2306Val; replaces alanine 2306 with valine.
Molecular consequence: missense variant.
Genome position (GRCh38, 1-based): chr20:62,318,968, G>A on the plus strand (C>T on the coding strand, the complement: LAMA5 is on the minus strand). VCF-style: chr20-62318968-G-A. GRCh37 (hg19) VCF-style: chr20-60894024-G-A.
Other names: c.6917C>T (NM_005560.3); short protein forms A2306V.
Identifiers: ClinVar variation 3627002 (VCV003627002.3).

ClinVar aggregate classification (germline): Uncertain significance. Review status: criteria provided, multiple submitters, no conflicts (2 of 4 stars). 2 submissions from 2 submitters: Uncertain significance (2). Last evaluated 2025-01-22.

Conditions:
Inborn genetic diseases. Identifiers: MedGen C0950123, MeSH D030342.

gnomAD v4.1: 6 of 1,594,624 alleles (0.00038%); highest among the groups gnomAD compares: East Asian, 0.0023%; no homozygotes.

Submissions (2):

Ambry Genetics
Classification: Uncertain significance for Inborn genetic diseases. Last evaluated: 2025-01-22. Review status: criteria provided, single submitter. Criteria: Ambry Variant Classification Scheme 2023. Collection method: clinical testing. Allele origin: germline.

Labcorp Genetics (formerly Invitae), Labcorp
Classification: Uncertain significance. Last evaluated: 2024-08-29. Review status: criteria provided, single submitter. Criteria: Invitae Variant Classification Sherloc (09022015). Collection method: clinical testing. Allele origin: germline.
Comment: This sequence change replaces alanine, which is neutral and non-polar, with valine, which is neutral and non-polar, at codon 2306 of the LAMA5 protein (p.Ala2306Val). The frequency data for this variant in the population databases is considered unreliable, as metrics indicate poor data quality at this position in the gnomAD database. This variant has not been reported in the literature in individuals affected with LAMA5-related conditions. An algorithm developed to predict the effect of missense changes on protein structure and function outputs the following: PolyPhen-2: "Benign". The valine amino acid residue is found in multiple mammalian species, which suggests that this missense change does not adversely affect protein function. Algorithms developed to predict the effect of sequence changes on RNA splicing suggest that this variant may create or strengthen a splice site. In summary, the available evidence is currently insufficient to determine the role of this variant in disease. Therefore, it has been classified as a Variant of Uncertain Significance.